The following continues an entry in ClinVar:

NM_004113.6(FGF12):c.155G>A (p.Arg52His)

Gene: FGF12. ClinVar aggregate classification (germline): Pathogenic/Likely pathogenic. Pathogenic (15); Likely pathogenic (1).

Submissions 17 to 23 of 23:

OMIM
Classification: Pathogenic for DEVELOPMENTAL AND EPILEPTIC ENCEPHALOPATHY 47. Last evaluated: 2021-11-29. Review status: no assertion criteria provided. Collection method: literature only. Allele origin: germline. Not counted in ClinVar's aggregate classification.

Laboratory of Molecular Genetics (Pr. Bezieau's lab), CHU de Nantes
Classification: Pathogenic. Last evaluated: 2017-03-15. Review status: no assertion criteria provided. Collection method: clinical testing. Allele origin: germline. Affected: yes. Not counted in ClinVar's aggregate classification.

Cytogénomique, Hospices Civils de Lyon
Classification: Pathogenic for Developmental and epileptic encephalopathy, 47. Review status: no assertion criteria provided. Collection method: clinical testing. Allele origin: unknown. Inheritance: Autosomal dominant inheritance. Affected: yes. Not counted in ClinVar's aggregate classification.

Genome Diagnostics Laboratory, Amsterdam University Medical Center
Classification: Pathogenic. Review status: no assertion criteria provided. Collection method: clinical testing. Allele origin: germline. Affected: yes. Study: VKGL Data-share Consensus. Not counted in ClinVar's aggregate classification.

Genomics England Pilot Project, Genomics England
Classification: Likely pathogenic for Developmental and epileptic encephalopathy, 47. Review status: no assertion criteria provided. Criteria: ACGS Guidelines, 2016. Collection method: clinical testing. Allele origin: germline. Affected: yes. Not counted in ClinVar's aggregate classification.

Laboratory of Diagnostic Genome Analysis, Leiden University Medical Center (LUMC)
Classification: Pathogenic. Review status: no assertion criteria provided. Collection method: clinical testing. Allele origin: germline. Affected: yes. Study: VKGL Data-share Consensus. Not counted in ClinVar's aggregate classification.

Dubai Health Genomic Medicine Center, Dubai Health
Classification: Pathogenic for Developmental and epileptic encephalopathy, 47. Last evaluated: 2020-11-01. Review status: flagged submission. Criteria: ACMG Guidelines, 2015. Collection method: clinical testing. Allele origin: germline. Affected: yes. Not counted in ClinVar's aggregate classification.
Comment: The p.Arg114His missense variant in FGF12 has been previously identified de novo in several patients with neonatal-onset epilepsy (PMIDs: 27872899 27164707 27830185 28506426 29699863). It was absent from large population studies such as the Genome Aggregation Database (gnomAD) and the Greater Middle East (GME) variome database. Functional analysis showed that the p.Arg114His variant leads to a strong gain-of-function effect by altering sodium channels gating and increasing neuronal excitability (PMID: 27164707). In summary this variant meets our criteria to be classified as pathogenic.
ClinVar note: Reason: This record appears to be redundant with a more recent record from the same submitter.
ClinVar note: Notes: SCV001984526 appears to be redundant with SCV002818202.

Literature cited by the submitters: PubMed 28554332 (cited by Dasa and Labcorp Genetics (formerly Invitae), Labcorp); PubMed 27164707 (cited by 6 submitters); PubMed 27830185 (cited by 4 submitters); PubMed 27872899 (cited by 4 submitters); PubMed 28506426 (cited by Dasa and Labcorp Genetics (formerly Invitae), Labcorp); PubMed 33982289 (cited by OLLIN Analises Genomicas, OLLIN); PubMed 29652076 (cited by 3billion); PubMed 29699863 (cited by 3billion and OMIM); DOI 10.1212/NXG.0000000000000120 (cited by Kasturba Medical College, Manipal, Kasturba Medical College, Manipal, Manipal Academy of Higher Education, Manipal, India); Guella, I., Huh, L., McKenzie, M. B., Toyota, E. B., Bebin, E. M., Thompson, M. L., Cooper, G. M., Evans, D. M., Buerki, S. E., Adam, S., Van Allen, M. I., Nelson, T. N., Connolly, M. B., Farrer, M. J., Demos, M. De novo FGF12 mutation in 2 patients with neonatal-onset epilepsy. Neurol. Genet. 2: e120, 2016. Note: Electronic Article. (cited by OMIM).